The following is an entry in ClinVar:

NM_000188.3(HK1):c.158G>A (p.Arg53Gln)

Gene: HK1 (hexokinase 1; plus strand). Cytogenetic location: 10q22.1.
Variant type: single nucleotide variant.
Coding change: c.158G>A on transcript NM_000188.3 (MANE Select); coding-DNA position 158, G replaced by A.
Protein change: p.Arg53Gln; replaces arginine 53 with glutamine.
Molecular consequence: missense variant.
Genome position (GRCh38, 1-based): chr10:69,343,921, G>A. VCF-style: chr10-69343921-G-A. GRCh37 (hg19) VCF-style: chr10-71103677-G-A.
Other names: c.170G>A, p.Arg57Gln (NM_001322364.2, NM_001358263.1, NM_033497.3 and 1 more transcripts); c.263G>A, p.Arg88Gln (NM_001322365.2); c.74G>A, p.Arg25Gln (NM_001322366.1); c.158G>A, p.Arg53Gln (NM_001322367.1); c.155G>A, p.Arg52Gln (NM_033496.3); c.122G>A, p.Arg41Gln (NM_033500.2); short protein forms R25Q, R53Q, R88Q, R41Q, R52Q, R57Q.
Identifiers: ClinVar variation 1487208 (VCV001487208.8), dbSNP rs763119877, ClinGen allele CA5532250.
Genomic context (GRCh38, chr10:69,343,921, plus strand): 5'-ATGAAACTCTCATAGATATCATGACTCGCTTCAGGAAGGAGATGAAGAATGGCCTCTCCC[G>A]GGATTTTAATCCAACAGCCACAGTCAAGATGTTGCCAACATTCGTAAGGTCCATTCCTGA-3'
Protein context (NP_000179.2, residues 43-63): FRKEMKNGLS[Arg53Gln]DFNPTATVKM

ClinVar aggregate classification (germline): Uncertain significance (1 of 4 stars; one submission).

Allele frequency attached by ClinVar (database versions not stated): gnomAD exomes below 0.00001; ExAC 0.00001.
gnomAD v4.1: 1 of 1,613,952 alleles (0.000062%); highest among the groups gnomAD compares: Non-Finnish European, 0.000085%; no homozygotes.

Submission:

Labcorp Genetics (formerly Invitae), Labcorp
Classification: Uncertain significance. Last evaluated: 2022-07-20. Review status: criteria provided, single submitter. Criteria: Invitae Variant Classification Sherloc (09022015). Collection method: clinical testing. Allele origin: germline.
Comment: Algorithms developed to predict the effect of sequence changes on RNA splicing suggest that this variant may create or strengthen a splice site. In summary, the available evidence is currently insufficient to determine the role of this variant in disease. Therefore, it has been classified as a Variant of Uncertain Significance. Algorithms developed to predict the effect of missense changes on protein structure and function are either unavailable or do not agree on the potential impact of this missense change (SIFT: "Deleterious"; PolyPhen-2: "Benign"; Align-GVGD: "Class C0"). ClinVar contains an entry for this variant (Variation ID: 1487208). This variant has not been reported in the literature in individuals affected with HK1-related conditions. This variant is not present in population databases (gnomAD no frequency). This sequence change replaces arginine, which is basic and polar, with glutamine, which is neutral and polar, at codon 53 of the HK1 protein (p.Arg53Gln).